The following is an entry in ClinVar:

ClinVar aggregate classification (germline): Uncertain significance (1 of 4 stars; one submission).

Submission:

Ambry Genetics
Classification: Uncertain significance. Last evaluated: 2024-12-19. Review status: criteria provided, single submitter. Criteria: Ambry Variant Classification Scheme 2023. Collection method: clinical testing. Allele origin: germline.
Comment: The p.P1327H variant (also known as c.3980C>A), located in coding exon 18 of the WNK2 gene, results from a C to A substitution at nucleotide position 3980. The proline at codon 1327 is replaced by histidine, an amino acid with similar properties. This amino acid position is conserved. In addition, this alteration is predicted to be tolerated by in silico analysis. Based on the available evidence, the clinical significance of this variant remains unclear.

NM_006648.4(WNK2):c.3980C>A (p.Pro1327His)

Gene: WNK2 (WNK lysine deficient protein kinase 2; plus strand). Cytogenetic location: 9q22.31.
Variant type: single nucleotide variant.
Coding change: c.3980C>A on transcript NM_006648.4 (MANE Select); coding-DNA position 3980, C replaced by A.
Protein change: p.Pro1327His; replaces proline 1327 with histidine.
Molecular consequence: missense variant.
Genome position (GRCh38, 1-based): chr9:93,268,693, C>A. VCF-style: chr9-93268693-C-A. GRCh37 (hg19) VCF-style: chr9-96030975-C-A.
Other names: c.3980C>A, p.Pro1327His (NM_001282394.3); short protein forms P1327H.
Identifiers: ClinVar variation 3816542 (VCV003816542.1).